The following is an entry in ClinVar:

ClinVar aggregate classification (germline): Uncertain significance. Review status: criteria provided, multiple submitters, no conflicts (2 of 4 stars). 2 submissions from 2 submitters: Uncertain significance (2). Last evaluated 2025-08-17.

gnomAD v4.1: 3 of 1,613,638 alleles (0.00019%); highest among the groups gnomAD compares: Non-Finnish European, 0.00017%; no homozygotes.

Submissions (2):

Labcorp Genetics (formerly Invitae), Labcorp
Classification: Uncertain significance. Last evaluated: 2025-08-17. Review status: criteria provided, single submitter. Criteria: Invitae Variant Classification Sherloc (09022015). Collection method: clinical testing. Allele origin: germline.
Comment: This sequence change replaces alanine, which is neutral and non-polar, with valine, which is neutral and non-polar, at codon 80 of the CYFIP2 protein (p.Ala80Val). The frequency data for this variant in the population databases is considered unreliable, as metrics indicate poor data quality at this position in the gnomAD database. This variant has not been reported in the literature in individuals affected with CYFIP2-related conditions. Experimental studies and prediction algorithms are not available or were not evaluated, and the functional significance of this variant is currently unknown. In summary, the available evidence is currently insufficient to determine the role of this variant in disease. Therefore, it has been classified as a Variant of Uncertain Significance.

CeGaT Center for Human Genetics Tuebingen
Classification: Uncertain significance. Last evaluated: 2025-07-01. Review status: criteria provided, single submitter. Criteria: CeGaT Center For Human Genetics Tuebingen Variant Classification Criteria Version 2. Collection method: clinical testing. Allele origin: germline. Affected: yes. Observed: 1 variant allele.
Comment: CYFIP2: PP2

NM_001037333.3(CYFIP2):c.239C>T (p.Ala80Val)

Gene: CYFIP2 (cytoplasmic FMR1 interacting protein 2; plus strand). Cytogenetic location: 5q33.3.
Variant type: single nucleotide variant.
Coding change: c.239C>T on transcript NM_001037333.3 (MANE Select); coding-DNA position 239, C replaced by T.
Protein change: p.Ala80Val; replaces alanine 80 with valine.
Molecular consequence: missense variant. On other transcripts: intron variant (1).
Genome position (GRCh38, 1-based): chr5:157,294,814, C>T. VCF-style: chr5-157294814-C-T. GRCh37 (hg19) VCF-style: chr5-156721823-C-T.
Other names: c.239C>T, p.Ala80Val (NM_001291722.2, NM_014376.4); c.208-1859C>T (NM_001291721.2); short protein forms A80V.
Identifiers: ClinVar variation 4085460 (VCV004085460.9).